The following is an entry in ClinVar:

ClinVar aggregate classification (germline): Uncertain significance. Review status: criteria provided, multiple submitters, no conflicts (2 of 4 stars). 3 submissions from 3 submitters: Uncertain significance (3). Last evaluated 2025-11-03.

Conditions:
Endometrial carcinoma. Also called: Endometrial carcinoma, somatic. Identifiers: MedGen C0476089, MONDO:0002447, OMIM 608089, HP:0012114.
Hereditary cancer-predisposing syndrome. Also called: Neoplastic Syndromes, Hereditary; Tumor predisposition; Hereditary Cancer Syndrome; Hereditary neoplastic syndrome. Identifiers: Orphanet 140162, MedGen C0027672, MeSH D009386, MONDO:0015356.

Allele frequency attached by ClinVar (database versions not stated): gnomAD exomes below 0.00001; gnomAD 0.00001.
gnomAD v4.1: 7 of 1,605,566 alleles (0.00044%); highest among the groups gnomAD compares: Non-Finnish European, 0.0006%; no homozygotes.

Submissions (3):

Labcorp Genetics (formerly Invitae), Labcorp
Classification: Uncertain significance. Last evaluated: 2025-11-03. Review status: criteria provided, single submitter. Criteria: Invitae Variant Classification Sherloc (09022015). Collection method: clinical testing. Allele origin: germline.
Comment: This sequence change replaces isoleucine, which is neutral and non-polar, with threonine, which is neutral and polar, at codon 340 of the MSH3 protein (p.Ile340Thr). This variant is present in population databases (no rsID available, gnomAD 0.006%). This variant has not been reported in the literature in individuals affected with MSH3-related conditions. ClinVar contains an entry for this variant (Variation ID: 652629). An algorithm developed to predict the effect of missense changes on protein structure and function (PolyPhen-2) suggests that this variant is likely to be disruptive. In summary, the available evidence is currently insufficient to determine the role of this variant in disease. Therefore, it has been classified as a Variant of Uncertain Significance.

Baylor Genetics
Classification: Uncertain significance for Endometrial carcinoma. Last evaluated: 2024-02-18. Review status: criteria provided, single submitter. Criteria: ACMG Guidelines, 2015. Collection method: clinical testing. Allele origin: unknown.

Ambry Genetics
Classification: Uncertain significance for Hereditary cancer-predisposing syndrome. Last evaluated: 2023-09-19. Review status: criteria provided, single submitter. Criteria: Ambry Variant Classification Scheme 2023. Collection method: clinical testing. Allele origin: germline.
Comment: The p.I340T variant (also known as c.1019T>C), located in coding exon 6 of the MSH3 gene, results from a T to C substitution at nucleotide position 1019. The isoleucine at codon 340 is replaced by threonine, an amino acid with similar properties. This amino acid position is well conserved in available vertebrate species. In addition, the in silico prediction for this alteration is inconclusive. Since supporting evidence is limited at this time, the clinical significance of this alteration remains unclear.

NM_002439.5(MSH3):c.1019T>C (p.Ile340Thr)

Genes: MSH3 (mutS homolog 3; plus strand), LOC126807437 (MED14-independent group 3 enhancer GRCh37_chr5:79968379-79969578; plus strand). Cytogenetic location: 5q14.1.
Variant type: single nucleotide variant.
Coding change: c.1019T>C on transcript NM_002439.5 (MANE Select); coding-DNA position 1019, T replaced by C.
Protein change: p.Ile340Thr; replaces isoleucine 340 with threonine.
Molecular consequence: missense variant.
Genome position (GRCh38, 1-based): chr5:80,672,850, T>C. VCF-style: chr5-80672850-T-C. GRCh37 (hg19) VCF-style: chr5-79968669-T-C.
Other names: short protein forms I340T.
Identifiers: ClinVar variation 652629 (VCV000652629.12), dbSNP rs1228031532, ClinGen allele CA360267546.